The following is an entry in ClinVar:

ClinVar aggregate classification (germline): Uncertain significance (1 of 4 stars; one submission).

Conditions:
Brugada syndrome. Also called: Sudden unexpected nocturnal death syndrome; Sudden unexplained nocturnal death syndrome; Sudden Unexplained Death Syndrome; Sudden Unexplained Nocturnal Death Syndrome (SUNDS). Identifiers: Orphanet 130, MedGen C1142166, MONDO:0015263.

gnomAD v4.1: 4 of 1,594,706 alleles (0.00025%); highest among the groups gnomAD compares: South Asian, 0.0011%; no homozygotes.

Submission:

Labcorp Genetics (formerly Invitae), Labcorp
Classification: Uncertain significance for Brugada syndrome. Last evaluated: 2025-07-25. Review status: criteria provided, single submitter. Criteria: Invitae Variant Classification Sherloc (09022015). Collection method: clinical testing. Allele origin: germline.
Comment: This sequence change replaces glutamine, which is neutral and polar, with lysine, which is basic and polar, at codon 400 of the CACNA2D1 protein (p.Gln400Lys). This variant is present in population databases (no rsID available, gnomAD 0.007%). This variant has not been reported in the literature in individuals affected with CACNA2D1-related conditions. Experimental studies and prediction algorithms are not available or were not evaluated, and the functional significance of this variant is currently unknown. In summary, the available evidence is currently insufficient to determine the role of this variant in disease. Therefore, it has been classified as a Variant of Uncertain Significance.

NM_000722.4(CACNA2D1):c.1198C>A (p.Gln400Lys)

Genes: CACNA2D1 (calcium voltage-gated channel auxiliary subunit alpha2delta 1; minus strand), CACNA2D1-AS1 (CACNA2D1 antisense RNA 1; plus strand). Cytogenetic location: 7q21.11.
Variant type: single nucleotide variant.
Coding change: c.1198C>A on transcript NM_000722.4 (MANE Select); coding-DNA position 1198, C replaced by A.
Protein change: p.Gln400Lys; replaces glutamine 400 with lysine.
Molecular consequence: missense variant.
Genome position (GRCh38, 1-based): chr7:82,014,425, G>T on the plus strand (C>A on the coding strand, the complement: CACNA2D1 is on the minus strand). VCF-style: chr7-82014425-G-T. GRCh37 (hg19) VCF-style: chr7-81643741-G-T.
Other names: c.1198C>A, p.Gln400Lys (NM_001366867.1); short protein forms Q400K.
Identifiers: ClinVar variation 4741207 (VCV004741207.1).